The following is an entry in ClinVar:

NM_138691.3(TMC1):c.375dup (p.Phe126fs)

Gene: TMC1 (transmembrane channel like 1; plus strand). Cytogenetic location: 9q21.13.
Variant type: Duplication.
Coding change: c.375dup on transcript NM_138691.3 (MANE Select); coding-DNA position 375, one base duplicated (A; older notation c.375dupA).
Protein change: p.Phe126fs; shifts the reading frame from phenylalanine 126.
Molecular consequence: frameshift variant.
Genome position (GRCh38, 1-based): chr9:72,740,131, A duplicated; the last of 7 consecutive A bases (chr9:72,740,125-72,740,131); duplicating any one gives the same sequence. VCF-style (leftmost placement, unchanged base first): chr9-72740124-C-CA. GRCh37 (hg19) VCF-style: chr9-75355040-C-CA.
Other names: short protein forms F126fs.
Identifiers: ClinVar variation 2901121 (VCV002901121.3), dbSNP rs745767539, ClinGen allele CA5081654.
Genomic context (GRCh38, chr9:72,740,124, plus strand): 5'-TCTAGTCATTGCAACTCACCTCCTTTTATCCCTTATGTTATTTTTATTTTCTCAGGGAGG[C>CA]AAAAAAATTTGTGAGTGAAAATGAAGGGGCTCTTGGGAAAGGAAAAGGAAAACGGTGGTT-3'

ClinVar aggregate classification (germline): Pathogenic (1 of 4 stars; one submission).

Submission:

Labcorp Genetics (formerly Invitae), Labcorp
Classification: Pathogenic. Last evaluated: 2024-02-24. Review status: criteria provided, single submitter. Criteria: Invitae Variant Classification Sherloc (09022015). Collection method: clinical testing. Allele origin: germline.
Comment: This sequence change creates a premature translational stop signal (p.Phe126Ilefs*4) in the TMC1 gene. It is expected to result in an absent or disrupted protein product. Loss-of-function variants in TMC1 are known to be pathogenic (PMID: 11850618, 22105175). This variant is present in population databases (rs769806797, gnomAD 0.0009%). This variant has not been reported in the literature in individuals affected with TMC1-related conditions. For these reasons, this variant has been classified as Pathogenic.

Literature cited by the submitters: PubMed 11850618; PubMed 22105175.